The following is an entry in ClinVar:

NM_033004.4(NLRP1):c.2638G>A (p.Ala880Thr)

Gene: NLRP1 (NLR family pyrin domain containing 1; minus strand). Cytogenetic location: 17p13.2.
Variant type: single nucleotide variant.
Coding change: c.2638G>A on transcript NM_033004.4 (MANE Select); coding-DNA position 2638, G replaced by A.
Protein change: p.Ala880Thr; replaces alanine 880 with threonine.
Molecular consequence: missense variant.
Genome position (GRCh38, 1-based): chr17:5,541,918, C>T on the plus strand (G>A on the coding strand, the complement: NLRP1 is on the minus strand). VCF-style: chr17-5541918-C-T. GRCh37 (hg19) VCF-style: chr17-5445238-C-T.
Other names: c.2638G>A, p.Ala880Thr (NM_001033053.3, NM_014922.5, NM_033006.4 and 1 more transcripts); short protein forms A880T.
Identifiers: ClinVar variation 2128640 (VCV002128640.5), dbSNP rs765440345, ClinGen allele CA8327108.

ClinVar aggregate classification (germline): Uncertain significance. Review status: criteria provided, multiple submitters, no conflicts (2 of 4 stars). 2 submissions from 2 submitters: Uncertain significance (2). Last evaluated 2024-02-17.

Conditions:
NLRP1-related disorder. Also called: NLRP1-related condition.

Allele frequency attached by ClinVar (database versions not stated): gnomAD exomes below 0.00001; ExAC 0.00001.
gnomAD v4.1: 6 of 1,614,148 alleles (0.00037%); highest among the groups gnomAD compares: South Asian, 0.0033%; no homozygotes.

Submissions (2):

Labcorp Genetics (formerly Invitae), Labcorp
Classification: Uncertain significance. Last evaluated: 2024-02-17. Review status: criteria provided, single submitter. Criteria: Invitae Variant Classification Sherloc (09022015). Collection method: clinical testing. Allele origin: germline.
Comment: This sequence change replaces alanine, which is neutral and non-polar, with threonine, which is neutral and polar, at codon 880 of the NLRP1 protein (p.Ala880Thr). This variant is present in population databases (rs765440345, gnomAD 0.003%). This variant has not been reported in the literature in individuals affected with NLRP1-related conditions. ClinVar contains an entry for this variant (Variation ID: 2128640). Algorithms developed to predict the effect of missense changes on protein structure and function output the following: SIFT: "Not Available"; PolyPhen-2: "Benign"; Align-GVGD: "Not Available". The threonine amino acid residue is found in multiple mammalian species, which suggests that this missense change does not adversely affect protein function. In summary, the available evidence is currently insufficient to determine the role of this variant in disease. Therefore, it has been classified as a Variant of Uncertain Significance.

PreventionGenetics, part of Exact Sciences
Classification: Uncertain significance for NLRP1-related condition. Last evaluated: 2022-11-21. Review status: criteria provided, single submitter. Criteria: ACMG Guidelines, 2015. Collection method: clinical testing. Allele origin: germline.
Comment: The NLRP1 c.2638G>A variant is predicted to result in the amino acid substitution p.Ala880Thr. To our knowledge, this variant has not been reported in the literature. This variant is reported in 0.0033% of alleles in individuals of South Asian descent in gnomAD. At this time, the clinical significance of this variant is uncertain due to the absence of conclusive functional and genetic evidence.